The following is an entry in ClinVar:

NM_000448.3(RAG1):c.2006A>G (p.Glu669Gly)

Gene: RAG1 (recombination activating 1; plus strand). Cytogenetic location: 11p12.
Variant type: single nucleotide variant.
Coding change: c.2006A>G on transcript NM_000448.3 (MANE Select); coding-DNA position 2006, A replaced by G.
Protein change: p.Glu669Gly; replaces glutamic acid 669 with glycine.
Molecular consequence: missense variant.
Genome position (GRCh38, 1-based): chr11:36,575,310, A>G. VCF-style: chr11-36575310-A-G. GRCh37 (hg19) VCF-style: chr11-36596860-A-G.
Other names: c.2006A>G, p.Glu669Gly (NM_001377277.1, NM_001377278.1, NM_001377279.1 and 1 more transcripts); short protein forms E669G.
Identifiers: ClinVar variation 68688 (VCV000068688.4), dbSNP rs199474689, ClinGen allele CA219821.
Genomic context (GRCh38, chr11:36,575,310, plus strand): 5'-CTAACTCTGAACTGTGTTGCAAGCCATTGTGCCTTATGCTGGCAGATGAGTCTGACCACG[A>G]GACGCTGACTGCCATCCTGAGTCCTCTCATTGCTGAGAGGGAGGCCATGAAGAGCAGTGA-3'
Protein context (NP_000439.2, residues 659-679): CLMLADESDH[Glu669Gly]TLTAILSPLI

ClinVar aggregate classification (germline): Likely pathogenic. Review status: criteria provided, single submitter (1 of 4 stars). 2 submissions from 2 submitters: Likely pathogenic (1). 1 of the submissions does not count toward it. Last evaluated 2023-05-22.

Conditions:
Severe combined immunodeficiency, autosomal recessive, T cell-negative, B cell-negative, NK cell-positive. Also called: SCID, AR, T-cell negative, B-cell negative, NK cell-positive; Severe combined immunodeficiency due to complete RAG1/2 deficiency; SCID, T CELL-NEGATIVE, B CELL-NEGATIVE, NK CELL-POSITIVE. Identifiers: Orphanet 331206, MedGen C1832322, MONDO:0011086, OMIM 601457.
Combined immunodeficiency with skin granulomas. Identifiers: Orphanet 157949, MedGen C2673536, MONDO:0009306, OMIM 233650.

Allele frequency attached by ClinVar (database versions not stated): TOPMed below 0.00001.

Submissions (2):

Labcorp Genetics (formerly Invitae), Labcorp
Classification: Likely pathogenic for Combined immunodeficiency with skin granulomas; Severe combined immunodeficiency, autosomal recessive, T cell-negative, B cell-negative, NK cell-positive. Last evaluated: 2023-05-22. Review status: criteria provided, single submitter. Criteria: Invitae Variant Classification Sherloc (09022015). Collection method: clinical testing. Allele origin: germline.
Comment: In summary, the currently available evidence indicates that the variant is pathogenic, but additional data are needed to prove that conclusively. Therefore, this variant has been classified as Likely Pathogenic. This variant disrupts the p.Glu669 amino acid residue in RAG1. Other variant(s) that disrupt this residue have been determined to be pathogenic (PMID: 24144642, 26476733, 28747913, 32655540). This suggests that this residue is clinically significant, and that variants that disrupt this residue are likely to be disease-causing. Advanced modeling of protein sequence and biophysical properties (such as structural, functional, and spatial information, amino acid conservation, physicochemical variation, residue mobility, and thermodynamic stability) performed at Invitae indicates that this missense variant is not expected to disrupt RAG1 protein function. ClinVar contains an entry for this variant (Variation ID: 68688). This missense change has been observed in individual(s) with Omenn syndrome (PMID: 11133745, 24144642). This variant is not present in population databases (gnomAD no frequency). This sequence change replaces glutamic acid, which is acidic and polar, with glycine, which is neutral and non-polar, at codon 669 of the RAG1 protein (p.Glu669Gly).

UniProtKB/Swiss-Prot
No classification provided. Review status: no classification provided. Collection method: not provided. Allele origin: not provided. Not counted in ClinVar's aggregate classification.

Literature cited by the submitters: PubMed 24144642 (cited by Labcorp Genetics (formerly Invitae), Labcorp); PubMed 26476733 (cited by Labcorp Genetics (formerly Invitae), Labcorp); PubMed 28747913 (cited by Labcorp Genetics (formerly Invitae), Labcorp); PubMed 32655540 (cited by Labcorp Genetics (formerly Invitae), Labcorp); PubMed 11133745 (cited by Labcorp Genetics (formerly Invitae), Labcorp).